The following is an entry in ClinVar:

NM_012282.4(KCNE5):c.346G>A (p.Ala116Thr)

Gene: KCNE5 (potassium voltage-gated channel subfamily E regulatory subunit 5; minus strand). Cytogenetic location: Xq23.
Variant type: single nucleotide variant.
Coding change: c.346G>A on transcript NM_012282.4 (MANE Select); coding-DNA position 346, G replaced by A.
Protein change: p.Ala116Thr; replaces alanine 116 with threonine.
Molecular consequence: missense variant.
Genome position (GRCh38, 1-based): chrX:109,624,675, C>T on the plus strand (G>A on the coding strand, the complement: KCNE5 is on the minus strand). VCF-style: chrX-109624675-C-T. GRCh37 (hg19) VCF-style: chrX-108867904-C-T.
Other names: short protein forms A116T.
Identifiers: ClinVar variation 532062 (VCV000532062.16), dbSNP rs764993726, ClinGen allele CA10490844.
Genomic context (GRCh38, chrX:109,624,675, plus strand): 5'-CGAGGGCAGGCAGCCCCTCGGAGGCAAGCTGGCGGCGGCCCTCGGCCTGGGAGCCCGCGG[C>T]AGCCTCGGCGTCGGCGGTCAGGGCGCCTCCCGGGGCCCATTCGTGCTCGGCGCAAGCCTG-3'
Protein context (NP_036414.1, residues 106-126): GGALTADAEA[Ala116Thr]AGSQAEGRRQ

ClinVar aggregate classification (germline): Conflicting classifications of pathogenicity. Review status: criteria provided, conflicting classifications (1 of 4 stars). 3 submissions from 3 submitters: Uncertain significance (1); Likely benign (2). Last evaluated 2025-12-08.

Conditions:
Brugada syndrome. Also called: Sudden Unexplained Death Syndrome; Sudden Unexplained Nocturnal Death Syndrome (SUNDS); Sudden unexplained nocturnal death syndrome; Sudden unexpected nocturnal death syndrome. Identifiers: Orphanet 130, MedGen C1142166, MONDO:0015263.

Allele frequency attached by ClinVar (database versions not stated): gnomAD exomes 0.00004 and 0.00005; ExAC 0.00012; TOPMed 0.00039; gnomAD 0.00041 and 0.00047.

Submissions (3):

Labcorp Genetics (formerly Invitae), Labcorp
Classification: Likely benign for Brugada syndrome. Last evaluated: 2025-12-08. Review status: criteria provided, single submitter. Criteria: Invitae Variant Classification Sherloc (09022015). Collection method: clinical testing. Allele origin: germline.

Ambry Genetics
Classification: Uncertain significance. Last evaluated: 2025-08-26. Review status: criteria provided, single submitter. Criteria: Ambry Variant Classification Scheme 2023. Collection method: clinical testing. Allele origin: germline.

GeneDx
Classification: Likely benign. Last evaluated: 2021-05-10. Review status: criteria provided, single submitter. Criteria: GeneDx Variant Classification Process June 2021. Collection method: clinical testing. Allele origin: germline. Affected: yes.
Comment: Has not been previously published as pathogenic or benign to our knowledge